The following is an entry in ClinVar:

NM_021076.4(NEFH):c.2657A>G (p.Lys886Arg)

Gene: NEFH (neurofilament heavy chain; plus strand). Cytogenetic location: 22q12.2.
Variant type: single nucleotide variant.
Coding change: c.2657A>G on transcript NM_021076.4 (MANE Select); coding-DNA position 2657, A replaced by G.
Protein change: p.Lys886Arg; replaces lysine 886 with arginine.
Molecular consequence: missense variant.
Genome position (GRCh38, 1-based): chr22:29,490,297, A>G. VCF-style: chr22-29490297-A-G. GRCh37 (hg19) VCF-style: chr22-29886286-A-G.
Other names: short protein forms K886R.
Identifiers: ClinVar variation 2916679 (VCV002916679.3), dbSNP rs1385969579, ClinGen allele CA411138314.
Genomic context (GRCh38, chr22:29,490,297, plus strand): 5'-AGAAGGAGGCTCCAAAGCCCAAGGTGGAGGAGAAGAAGGAACCTGCTGTCGAAAAGCCCA[A>G]AGAATCCAAAGTTGAAGCCAAGAAGGAAGAGGCTGAAGATAAGAAAAAAGTCCCCACCCC-3'
Protein context (NP_066554.2, residues 876-896): EKKEPAVEKP[Lys886Arg]ESKVEAKKEE

ClinVar aggregate classification (germline): Uncertain significance (1 of 4 stars; one submission).

Allele frequency attached by ClinVar (database versions not stated): gnomAD 0.00001; gnomAD exomes 0.00001; TOPMed 0.00001.
gnomAD v4.1: 11 of 1,612,872 alleles (0.00068%); highest among the groups gnomAD compares: African/African-American, 0.0013%; no homozygotes.

Submission:

Labcorp Genetics (formerly Invitae), Labcorp
Classification: Uncertain significance. Last evaluated: 2022-12-02. Review status: criteria provided, single submitter. Criteria: Invitae Variant Classification Sherloc (09022015). Collection method: clinical testing. Allele origin: germline.
Comment: In summary, the available evidence is currently insufficient to determine the role of this variant in disease. Therefore, it has been classified as a Variant of Uncertain Significance. Advanced modeling of protein sequence and biophysical properties (such as structural, functional, and spatial information, amino acid conservation, physicochemical variation, residue mobility, and thermodynamic stability) performed at Invitae indicates that this missense variant is not expected to disrupt NEFH protein function. This variant has not been reported in the literature in individuals affected with NEFH-related conditions. This variant is present in population databases (no rsID available, gnomAD 0.002%). This sequence change replaces lysine, which is basic and polar, with arginine, which is basic and polar, at codon 886 of the NEFH protein (p.Lys886Arg).